The following is an entry in ClinVar:

ClinVar aggregate classification (germline): Uncertain significance (1 of 4 stars; one submission).

Conditions:
Cataract 1 multiple types. Also called: CATARACT, DUFFY-LINKED; CATARACT 1, POSTERIOR SUBCAPSULAR, WITH MICROCORNEA; CATARACT 1, STELLATE NUCLEAR, WITH MICROCORNEA; CATARACT 1, MULTIPLE TYPES, WITH OR WITHOUT MICROCORNEA; CATARACT 1, NUCLEAR PROGRESSIVE; CATARACT 1 WITH MICROCORNEA. Identifiers: Orphanet 1377, MedGen C1861828, MONDO:0007285, OMIM 116200.

Allele frequency attached by ClinVar (database versions not stated): gnomAD exomes below 0.00001.
gnomAD v4.1: 1 of 1,614,138 alleles (0.000062%); highest among the groups gnomAD compares: Non-Finnish European, 0.000085%; no homozygotes.

Submission:

Dept. Genetics and Cancer, Menzies Institute for Medical Research, University of Tasmania
Classification: Uncertain significance for Cataract 1 multiple types. Last evaluated: 2023-01-21. Review status: criteria provided, single submitter. Criteria: ACMG Guidelines, 2015. Collection method: curation. Allele origin: germline. Affected: yes.
Comment: Variant identified and curated during a GJA8 specific review of the literature in relation to pediatric or congenital cataract. ACMG-AMP criteria applied: PM2(Supporting), PP3. Original variant report: PMID:33923544. The cataract phenotype reported for this variant is: Nuclear. Gene review and curation guidelines are outlined in: DOI 10.1080/17469899.2023.2160320

Literature cited by the submitters: PubMed 33923544.

NM_005267.5(GJA8):c.565C>G (p.Pro189Ala)

Gene: GJA8 (gap junction protein alpha 8; plus strand). Cytogenetic location: 1q21.2.
Variant type: single nucleotide variant.
Coding change: c.565C>G on transcript NM_005267.5 (MANE Select); coding-DNA position 565, C replaced by G.
Protein change: p.Pro189Ala; replaces proline 189 with alanine.
Molecular consequence: missense variant.
Genome position (GRCh38, 1-based): chr1:147,908,520, C>G. VCF-style: chr1-147908520-C-G. GRCh37 (hg19) VCF-style: chr1-147380647-C-G.
Other names: short protein forms P189A.
Identifiers: ClinVar variation 3253664 (VCV003253664.1), dbSNP rs2149015924.